The following is an entry in ClinVar:

NM_015047.3(EMC1):c.823C>T (p.Arg275Trp)

Genes: EMC1 (ER membrane protein complex subunit 1; minus strand), EMC1-AS1 (EMC1 antisense RNA 1; plus strand). Cytogenetic location: 1p36.13.
Variant type: single nucleotide variant.
Coding change: c.823C>T on transcript NM_015047.3 (MANE Select); coding-DNA position 823, C replaced by T.
Protein change: p.Arg275Trp; replaces arginine 275 with tryptophan.
Molecular consequence: missense variant.
Genome position (GRCh38, 1-based): chr1:19,239,949, G>A on the plus strand (C>T on the coding strand, the complement: EMC1 is on the minus strand). VCF-style: chr1-19239949-G-A. GRCh37 (hg19) VCF-style: chr1-19566443-G-A.
Other names: c.823C>T (NM_015047.1); c.823C>T, p.Arg275Trp (NM_001271427.2, NM_001271428.2, NM_001375820.1 and 1 more transcripts); c.757C>T, p.Arg253Trp (NM_001271429.2); short protein forms R275W, R253W.
Identifiers: ClinVar variation 1388715 (VCV001388715.8), dbSNP rs149183157, ClinGen allele CA652777.

ClinVar aggregate classification (germline): Uncertain significance. Review status: criteria provided, multiple submitters, no conflicts (2 of 4 stars). 3 submissions from 3 submitters: Uncertain significance (3). Last evaluated 2025-10-24.

Conditions:
Inborn genetic diseases. Identifiers: MedGen C0950123, MeSH D030342.
Retinal dystrophy. Also called: Inherited retinal dystrophy. Identifiers: Orphanet 71862, MedGen C0854723, MeSH D058499, MONDO:0019118, HP:0000556.

Allele frequency attached by ClinVar (database versions not stated): ExAC 0.00002; gnomAD exomes 0.00002; gnomAD 0.00004; TOPMed 0.00004; ESP Exome Variant Server 0.00008.
gnomAD v4.1: 46 of 1,613,318 alleles (0.0029%); highest among the groups gnomAD compares: Middle Eastern, 0.066%; no homozygotes.

Submissions (3):

Labcorp Genetics (formerly Invitae), Labcorp
Classification: Uncertain significance. Last evaluated: 2025-10-24. Review status: criteria provided, single submitter. Criteria: Invitae Variant Classification Sherloc (09022015). Collection method: clinical testing. Allele origin: germline.
Comment: This sequence change replaces arginine, which is basic and polar, with tryptophan, which is neutral and slightly polar, at codon 275 of the EMC1 protein (p.Arg275Trp). This variant is present in population databases (rs149183157, gnomAD 0.01%). This variant has not been reported in the literature in individuals affected with EMC1-related conditions. ClinVar contains an entry for this variant (Variation ID: 1388715). Invitae Evidence Modeling of protein sequence and biophysical properties (such as structural, functional, and spatial information, amino acid conservation, physicochemical variation, residue mobility, and thermodynamic stability) indicates that this missense variant is not expected to disrupt EMC1 protein function with a negative predictive value of 80%. In summary, the available evidence is currently insufficient to determine the role of this variant in disease. Therefore, it has been classified as a Variant of Uncertain Significance.

Ambry Genetics
Classification: Uncertain significance for Inborn genetic diseases. Last evaluated: 2025-01-20. Review status: criteria provided, single submitter. Criteria: Ambry Variant Classification Scheme 2023. Collection method: clinical testing. Allele origin: germline.

Dept Of Ophthalmology, Nagoya University
Classification: Uncertain significance for Retinal dystrophy. Last evaluated: 2023-10-01. Review status: criteria provided, single submitter. Criteria: Submitter's publication. Collection method: research. Allele origin: germline. Affected: yes.